The following is an entry in ClinVar:

NM_000057.4(BLM):c.4076+3A>G

Gene: BLM (BLM RecQ like helicase; plus strand). Cytogenetic location: 15q26.1.
Variant type: single nucleotide variant.
Coding change: c.4076+3A>G on transcript NM_000057.4 (MANE Select); 3 bases into the intron after coding-DNA position 4076, A replaced by G.
Molecular consequence: intron variant.
Genome position (GRCh38, 1-based): chr15:90,811,409, A>G. VCF-style: chr15-90811409-A-G. GRCh37 (hg19) VCF-style: chr15-91354639-A-G.
Other names: c.4076+3A>G (NM_001287246.2, NM_000057.2); c.2951+3A>G (NM_001287248.2); c.3683+3A>G (NM_001287247.2).
Identifiers: ClinVar variation 405282 (VCV000405282.16), dbSNP rs758564326, ClinGen allele CA7739183.
Genomic context (GRCh38, chr15:90,811,409, plus strand): 5'-CAGCCTCCCAAAGGTCTAAGAGGAGAAAAACTGCTTCCAGTGGTTCCAAGGCAAAGGGGT[A>G]TGTTTTGTGACATCTTTTTCAATATAGGGAACAAGGGAAGAAAGGACAAAAGTGCAACAG-3'

ClinVar aggregate classification (germline): Conflicting classifications of pathogenicity. Review status: criteria provided, conflicting classifications (1 of 4 stars). 4 submissions from 4 submitters: Uncertain significance (2); Likely benign (1). 1 of the submissions does not count toward it. Last evaluated 2025-10-15.

Conditions:
Hereditary cancer-predisposing syndrome. Also called: Hereditary Cancer Syndrome; Hereditary neoplastic syndrome; Neoplastic Syndromes, Hereditary; Tumor predisposition. Identifiers: Orphanet 140162, MedGen C0027672, MeSH D009386, MONDO:0015356.
Bloom syndrome (BLM). Also called: Bloom-Torre-Machacek syndrome. Identifiers: Orphanet 125, MedGen C0005859, MONDO:0008876, OMIM 210900.

Allele frequency attached by ClinVar (database versions not stated): ExAC 0.00001; gnomAD 0.00001; gnomAD exomes 0.00001; TOPMed 0.00002.
gnomAD v4.1: 2 of 1,613,776 alleles (0.00012%); no homozygotes.

Submissions (4):

Labcorp Genetics (formerly Invitae), Labcorp
Classification: Likely benign for Bloom syndrome. Last evaluated: 2025-10-15. Review status: criteria provided, single submitter. Criteria: Invitae Variant Classification Sherloc (09022015). Collection method: clinical testing. Allele origin: germline.

Quest Diagnostics Nichols Institute San Juan Capistrano
Classification: Uncertain significance. Last evaluated: 2024-12-06. Review status: criteria provided, single submitter. Criteria: Quest Diagnostics criteria. Collection method: clinical testing. Allele origin: unknown.
Comment: The BLM c.4076+3A>G variant has not been reported in individuals with BLM-related conditions in the published literature. The frequency of this variant in the general population (Genome Aggregation Database) is uninformative in the assessment of its pathogenicity. Analysis of this variant using software algorithms for the prediction of the effect of nucleotide changes on splicing yielded predictions that this variant may affect proper BLM mRNA splicing. Based on the available information, we are unable to determine the clinical significance of this variant.

Ambry Genetics
Classification: Uncertain significance for Hereditary cancer-predisposing syndrome. Last evaluated: 2023-07-28. Review status: criteria provided, single submitter. Criteria: Ambry Variant Classification Scheme 2023. Collection method: clinical testing. Allele origin: germline.
Comment: The c.4076+3A>G intronic variant results from an A to G substitution 3 nucleotides after coding exon 20 in the BLM gene. This nucleotide position is well conserved in available vertebrate species. In silico splice site analysis predicts that this alteration may weaken the native splice donor site. Since supporting evidence is limited at this time, the clinical significance of this alteration remains unclear.

Natera, Inc.
Classification: Uncertain significance for Bloom syndrome. Last evaluated: 2021-02-05. Review status: no assertion criteria provided. Collection method: clinical testing. Allele origin: germline. Not counted in ClinVar's aggregate classification.